The following is an entry in ClinVar:

ClinVar aggregate classification (germline): Uncertain significance (1 of 4 stars; one submission).

Submission:

Labcorp Genetics (formerly Invitae), Labcorp
Classification: Uncertain significance. Last evaluated: 2022-07-06. Review status: criteria provided, single submitter. Criteria: Invitae Variant Classification Sherloc (09022015). Collection method: clinical testing. Allele origin: germline.
Comment: In summary, the available evidence is currently insufficient to determine the role of this variant in disease. Therefore, it has been classified as a Variant of Uncertain Significance. Algorithms developed to predict the effect of missense changes on protein structure and function (SIFT, PolyPhen-2, Align-GVGD) all suggest that this variant is likely to be tolerated. ClinVar contains an entry for this variant (Variation ID: 854246). This variant has not been reported in the literature in individuals affected with CWC27-related conditions. This variant is not present in population databases (gnomAD no frequency). This sequence change replaces lysine, which is basic and polar, with arginine, which is basic and polar, at codon 18 of the CWC27 protein (p.Lys18Arg).

NM_005869.4(CWC27):c.53A>G (p.Lys18Arg)

Gene: CWC27 (CWC27 spliceosome associated cyclophilin; plus strand). Cytogenetic location: 5q12.3.
Variant type: single nucleotide variant.
Coding change: c.53A>G on transcript NM_005869.4 (MANE Select); coding-DNA position 53, A replaced by G.
Protein change: p.Lys18Arg; replaces lysine 18 with arginine.
Molecular consequence: missense variant.
Genome position (GRCh38, 1-based): chr5:64,774,701, A>G. VCF-style: chr5-64774701-A-G. GRCh37 (hg19) VCF-style: chr5-64070528-A-G.
Other names: c.53A>G, p.Lys18Arg (NM_001297644.1, NM_001297645.2, NM_001318000.2 and 1 more transcripts); short protein forms K18R.
Identifiers: ClinVar variation 854246 (VCV000854246.9), dbSNP rs1743379298, ClinGen allele CA359839050.
Genomic context (GRCh38, chr5:64,774,701, plus strand): 5'-GATTATTAAGCAAAATAATAATTTAATAAAATGTAATATTCTTTCTACAGGTTTTATTGA[A>G]AACTACAGCTGGAGATATTGACATAGAGTTGTGGTCCAAAGAAGCTCCTAAAGCTTGCAG-3'
Protein context (NP_005860.2, residues 8-28): EPPTNGKVLL[Lys18Arg]TTAGDIDIEL